The following is an entry in ClinVar:

ClinVar aggregate classification (germline): Uncertain significance. Review status: criteria provided, multiple submitters, no conflicts (2 of 4 stars). 2 submissions from 2 submitters: Uncertain significance (2). Last evaluated 2025-06-25.

Conditions:
Inborn genetic diseases. Identifiers: MedGen C0950123, MeSH D030342.
Ichthyosis linearis circumflexa. Identifiers: MedGen C0265962, MONDO:0043106, HP:0025810.

Allele frequency attached by ClinVar (database versions not stated): TOPMed 0.00001; gnomAD 0.00002; gnomAD exomes 0.00002; ExAC 0.00003.
gnomAD v4.1: 34 of 1,611,872 alleles (0.0021%); highest among the groups gnomAD compares: Admixed American, 0.0033%; no homozygotes.

Submissions (2):

Ambry Genetics
Classification: Uncertain significance for Inborn genetic diseases. Last evaluated: 2025-06-25. Review status: criteria provided, single submitter. Criteria: Ambry Variant Classification Scheme 2023. Collection method: clinical testing. Allele origin: germline.

Labcorp Genetics (formerly Invitae), Labcorp
Classification: Uncertain significance for Ichthyosis linearis circumflexa. Last evaluated: 2024-01-18. Review status: criteria provided, single submitter. Criteria: Invitae Variant Classification Sherloc (09022015). Collection method: clinical testing. Allele origin: germline.
Comment: This sequence change replaces arginine, which is basic and polar, with glutamine, which is neutral and polar, at codon 636 of the SPINK5 protein (p.Arg636Gln). This variant is present in population databases (rs758747211, gnomAD 0.006%). This variant has not been reported in the literature in individuals affected with SPINK5-related conditions. ClinVar contains an entry for this variant (Variation ID: 529157). Advanced modeling of protein sequence and biophysical properties (such as structural, functional, and spatial information, amino acid conservation, physicochemical variation, residue mobility, and thermodynamic stability) performed at Invitae indicates that this missense variant is not expected to disrupt SPINK5 protein function with a negative predictive value of 80%. In summary, the available evidence is currently insufficient to determine the role of this variant in disease. Therefore, it has been classified as a Variant of Uncertain Significance.

NM_006846.4(SPINK5):c.1907G>A (p.Arg636Gln)

Gene: SPINK5 (serine peptidase inhibitor Kazal type 5; plus strand). Cytogenetic location: 5q32.
Variant type: single nucleotide variant.
Coding change: c.1907G>A on transcript NM_006846.4 (MANE Select); coding-DNA position 1907, G replaced by A.
Protein change: p.Arg636Gln; replaces arginine 636 with glutamine.
Molecular consequence: missense variant.
Genome position (GRCh38, 1-based): chr5:148,114,381, G>A. VCF-style: chr5-148114381-G-A. GRCh37 (hg19) VCF-style: chr5-147493944-G-A.
Other names: c.1907G>A, p.Arg636Gln (NM_001127698.2, NM_001127699.2); short protein forms R636Q.
Identifiers: ClinVar variation 529157 (VCV000529157.9), dbSNP rs758747211, ClinGen allele CA3495798.